The following is an entry in ClinVar:

ClinVar aggregate classification (germline): Likely benign (1 of 4 stars; one submission).

Conditions:
Hypertrophic cardiomyopathy. Also called: HYPERTROPHIC MYOCARDIOPATHY. Identifiers: Orphanet 217569, MedGen C0007194, MeSH D002312, MONDO:0005045, HP:0001639.

Submission:

All of Us Research Program, National Institutes of Health
Classification: Likely benign for Hypertrophic cardiomyopathy. Last evaluated: 2023-05-04. Review status: criteria provided, single submitter. Criteria: ACMG Guidelines, 2015. Collection method: clinical testing. Allele origin: germline. Inheritance: Autosomal dominant inheritance. Observed: 1 variant allele, 1 heterozygote.
Comment: This study involves interpretation of variants in research participants for the purpose of population health screening. Participant phenotype was not available at the time of variant classification. Additional details can be found in publication PMID: 35346344, PMCID: PMC8962531

NM_000432.4(MYL2):c.306A>G (p.Ala102=)

Gene: MYL2 (myosin light chain 2; minus strand). Cytogenetic location: 12q24.11.
Variant type: single nucleotide variant.
Coding change: c.306A>G on transcript NM_000432.4 (MANE Select); coding-DNA position 306, A replaced by G.
Protein change: p.Ala102=; no amino-acid change (alanine 102 retained).
Molecular consequence: synonymous variant.
Genome position (GRCh38, 1-based): chr12:110,913,293, T>C on the plus strand (A>G on the coding strand, the complement: MYL2 is on the minus strand). VCF-style: chr12-110913293-T-C. GRCh37 (hg19) VCF-style: chr12-111351097-T-C.
Other names: c.264A>G, p.Ala88= (NM_001406745.1, NM_001406746.1); c.249A>G, p.Ala83= (NM_001406916.1).
Identifiers: ClinVar variation 3070791 (VCV003070791.1), dbSNP rs1592799759, ClinGen allele CA481750902.